The following is an entry in ClinVar:

ClinVar aggregate classification (germline): Uncertain significance. Review status: criteria provided, multiple submitters, no conflicts (2 of 4 stars). 3 submissions from 3 submitters: Uncertain significance (3). Last evaluated 2025-01-03.

Conditions:
Inborn genetic diseases. Identifiers: MedGen C0950123, MeSH D030342.
Brody myopathy. Also called: BRODY DISEASE. Identifiers: Orphanet 53347, MedGen C1832918, MONDO:0010977, OMIM 601003.

Allele frequency attached by ClinVar (database versions not stated): gnomAD exomes below 0.00001; ExAC 0.00001; gnomAD 0.00001; TOPMed 0.00002.
gnomAD v4.1: 4 of 1,614,046 alleles (0.00025%); highest among the groups gnomAD compares: South Asian, 0.0011%; no homozygotes.

Submissions (3):

GeneDx
Classification: Uncertain significance. Last evaluated: 2025-01-03. Review status: criteria provided, single submitter. Criteria: GeneDx Variant Classification Process June 2021. Collection method: clinical testing. Allele origin: germline. Affected: yes.
Comment: Not observed at significant frequency in large population cohorts (gnomAD); In silico analysis supports that this missense variant has a deleterious effect on protein structure/function; Has not been previously published as pathogenic or benign to our knowledge

Ambry Genetics
Classification: Uncertain significance for Inborn genetic diseases. Last evaluated: 2022-10-12. Review status: criteria provided, single submitter. Criteria: Ambry Variant Classification Scheme 2023. Collection method: clinical testing. Allele origin: germline.

Labcorp Genetics (formerly Invitae), Labcorp
Classification: Uncertain significance for Brody myopathy. Last evaluated: 2018-11-07. Review status: criteria provided, single submitter. Criteria: Invitae Variant Classification Sherloc (09022015). Collection method: clinical testing. Allele origin: germline.
Comment: In summary, the available evidence is currently insufficient to determine the role of this variant in disease. Therefore, it has been classified as a Variant of Uncertain Significance. Algorithms developed to predict the effect of missense changes on protein structure and function (SIFT, PolyPhen-2, Align-GVGD) all suggest that this variant is likely to be disruptive, but these predictions have not been confirmed by published functional studies and their clinical significance is uncertain. This variant has not been reported in the literature in individuals with ATP2A1-related disease. This variant is present in population databases (rs778571371, ExAC 0.006%). This sequence change replaces threonine with isoleucine at codon 805 of the ATP2A1 protein (p.Thr805Ile). The threonine residue is highly conserved and there is a moderate physicochemical difference between threonine and isoleucine.

NM_004320.6(ATP2A1):c.2414C>T (p.Thr805Ile)

Gene: ATP2A1 (ATPase sarcoplasmic/endoplasmic reticulum Ca2+ transporting 1; plus strand). Cytogenetic location: 16p11.2.
Variant type: single nucleotide variant.
Coding change: c.2414C>T on transcript NM_004320.6 (MANE Select); coding-DNA position 2414, C replaced by T.
Protein change: p.Thr805Ile; replaces threonine 805 with isoleucine.
Molecular consequence: missense variant.
Genome position (GRCh38, 1-based): chr16:28,902,276, C>T. VCF-style: chr16-28902276-C-T. GRCh37 (hg19) VCF-style: chr16-28913597-C-T.
Other names: c.2039C>T, p.Thr680Ile (NM_001286075.2); c.2414C>T, p.Thr805Ile (NM_173201.5); short protein forms T805I, T680I.
Identifiers: ClinVar variation 665244 (VCV000665244.11), dbSNP rs778571371, ClinGen allele CA7987255.